The following is an entry in ClinVar:

NM_173354.5(SIK1):c.1094G>A (p.Arg365Gln)

Gene: SIK1 (salt inducible kinase 1; minus strand). Cytogenetic location: 21q22.3.
Variant type: single nucleotide variant.
Coding change: c.1094G>A on transcript NM_173354.5 (MANE Select); coding-DNA position 1094, G replaced by A.
Protein change: p.Arg365Gln; replaces arginine 365 with glutamine.
Molecular consequence: missense variant.
Genome position (GRCh38, 1-based): chr21:43,419,884, C>T on the plus strand (G>A on the coding strand, the complement: SIK1 is on the minus strand). VCF-style: chr21-43419884-C-T. GRCh37 (hg19) VCF-style: chr21-44839764-C-T.
Other names: short protein forms R365Q.
Identifiers: ClinVar variation 566342 (VCV000566342.12), dbSNP rs780535115, ClinGen allele CA321326471.

ClinVar aggregate classification (germline): Conflicting classifications of pathogenicity. Review status: criteria provided, conflicting classifications (1 of 4 stars). 2 submissions from 2 submitters: Uncertain significance (1); Likely benign (1). Last evaluated 2025-05-23.

Conditions:
Inborn genetic diseases. Identifiers: MedGen C0950123, MeSH D030342.
Developmental and epileptic encephalopathy, 30 (DEE30). Also called: Epileptic encephalopathy, early infantile, 30. Identifiers: MedGen C4225360, MONDO:0014595, OMIM 616341.

Allele frequency attached by ClinVar (database versions not stated): gnomAD 0.00003; ExAC 0.00004; gnomAD exomes 0.00004.

Submissions (2):

Ambry Genetics
Classification: Likely benign for Inborn genetic diseases. Last evaluated: 2025-05-23. Review status: criteria provided, single submitter. Criteria: Ambry Variant Classification Scheme 2023. Collection method: clinical testing. Allele origin: germline.

Labcorp Genetics (formerly Invitae), Labcorp
Classification: Uncertain significance for Developmental and epileptic encephalopathy, 30. Last evaluated: 2025-04-02. Review status: criteria provided, single submitter. Criteria: Invitae Variant Classification Sherloc (09022015). Collection method: clinical testing. Allele origin: germline.
Comment: This sequence change replaces arginine, which is basic and polar, with glutamine, which is neutral and polar, at codon 365 of the SIK1 protein (p.Arg365Gln). This variant is present in population databases (rs780535115, gnomAD 0.02%). This variant has not been reported in the literature in individuals affected with SIK1-related conditions. ClinVar contains an entry for this variant (Variation ID: 566342). Invitae Evidence Modeling of protein sequence and biophysical properties (such as structural, functional, and spatial information, amino acid conservation, physicochemical variation, residue mobility, and thermodynamic stability) indicates that this missense variant is not expected to disrupt SIK1 protein function with a negative predictive value of 95%. In summary, the available evidence is currently insufficient to determine the role of this variant in disease. Therefore, it has been classified as a Variant of Uncertain Significance.